The following is an entry in ClinVar:

NM_177924.5(ASAH1):c.436A>G (p.Ile146Val)

Gene: ASAH1 (N-acylsphingosine amidohydrolase 1; minus strand). Cytogenetic location: 8p22.
Variant type: single nucleotide variant.
Coding change: c.436A>G on transcript NM_177924.5 (MANE Select); coding-DNA position 436, A replaced by G.
Protein change: p.Ile146Val; replaces isoleucine 146 with valine.
Molecular consequence: missense variant.
Genome position (GRCh38, 1-based): chr8:18,064,478, T>C on the plus strand (A>G on the coding strand, the complement: ASAH1 is on the minus strand). VCF-style: chr8-18064478-T-C. GRCh37 (hg19) VCF-style: chr8-17921987-T-C.
Other names: c.418A>G, p.Ile140Val (NM_001127505.3); c.241A>G, p.Ile81Val (NM_001363743.2); c.484A>G, p.Ile162Val (NM_004315.6); c.436A>G (NM_177924.3); short protein forms I140V, I81V, I146V, I162V.
Identifiers: ClinVar variation 1965247 (VCV001965247.4), dbSNP rs1400874100, ClinGen allele CA370431578.
Genomic context (GRCh38, chr8:18,064,478, plus strand): 5'-GTGCTTCATGCTGCCCACCCTCCCTCAGCGCACAATTACCTTTTTTGTCTTCTGCTACTA[T>C]TGAAGTACAAATGGTAAATAATTCATAAAAAATATTGAATGAAATAATCTCTCCTATGAG-3'
Protein context (NP_808592.2, residues 136-156): FYELFTICTS[Ile146Val]VAEDKKGHLI

ClinVar aggregate classification (germline): Uncertain significance. Review status: criteria provided, multiple submitters, no conflicts (2 of 4 stars). 2 submissions from 2 submitters: Uncertain significance (2). Last evaluated 2025-09-08.

Conditions:
Inborn genetic diseases. Identifiers: MedGen C0950123, MeSH D030342.

Allele frequency attached by ClinVar (database versions not stated): gnomAD exomes below 0.00001; TOPMed below 0.00001.
gnomAD v4.1: 3 of 1,580,302 alleles (0.00019%); highest among the groups gnomAD compares: Non-Finnish European, 0.00026%; no homozygotes.

Submissions (2):

Ambry Genetics
Classification: Uncertain significance for Inborn genetic diseases. Last evaluated: 2025-09-08. Review status: criteria provided, single submitter. Criteria: Ambry Variant Classification Scheme 2023. Collection method: clinical testing. Allele origin: germline.

Labcorp Genetics (formerly Invitae), Labcorp
Classification: Uncertain significance. Last evaluated: 2022-09-16. Review status: criteria provided, single submitter. Criteria: Invitae Variant Classification Sherloc (09022015). Collection method: clinical testing. Allele origin: germline.
Comment: In summary, the available evidence is currently insufficient to determine the role of this variant in disease. Therefore, it has been classified as a Variant of Uncertain Significance. Advanced modeling of protein sequence and biophysical properties (such as structural, functional, and spatial information, amino acid conservation, physicochemical variation, residue mobility, and thermodynamic stability) performed at Invitae indicates that this missense variant is not expected to disrupt ASAH1 protein function. This variant has not been reported in the literature in individuals affected with ASAH1-related conditions. This variant is present in population databases (no rsID available, gnomAD 0.0009%). This sequence change replaces isoleucine, which is neutral and non-polar, with valine, which is neutral and non-polar, at codon 146 of the ASAH1 protein (p.Ile146Val).